The following is an entry in ClinVar:

ClinVar aggregate classification (germline): Conflicting classifications of pathogenicity. Review status: criteria provided, conflicting classifications (1 of 4 stars). 3 submissions from 3 submitters: Uncertain significance (1); Likely benign (1). 1 of the submissions does not count toward it. Last evaluated 2025-01-08.

Conditions:
COL6A3-related disorder. Also called: COL6A3-related condition; COL6A3-related disorders.
Bethlem myopathy 1A. Also called: Bethlem myopathy 1; MYOPATHY, BENIGN CONGENITAL, WITH CONTRACTURES; Bethlem Muscular Dystrophy. Identifiers: Orphanet 610, MedGen CN029274, MONDO:0024530, OMIM 158810.

Allele frequency attached by ClinVar (database versions not stated): TOPMed 0.00007.

Submissions (3):

Labcorp Genetics (formerly Invitae), Labcorp
Classification: Likely benign for Bethlem myopathy 1A. Last evaluated: 2025-01-08. Review status: criteria provided, single submitter. Criteria: Invitae Variant Classification Sherloc (09022015). Collection method: clinical testing. Allele origin: germline.

Eurofins Ntd Llc (ga)
Classification: Uncertain significance. Last evaluated: 2015-10-29. Review status: criteria provided, single submitter. Criteria: EGL Classification Definitions 2015. Collection method: clinical testing. Allele origin: germline. Observed: 1 variant allele, 1 heterozygote.

PreventionGenetics, part of Exact Sciences
Classification: Likely benign for COL6A3-related condition. Last evaluated: 2022-12-09. Review status: no assertion criteria provided. Collection method: clinical testing. Allele origin: germline. Not counted in ClinVar's aggregate classification.
Comment: This variant is classified as likely benign based on ACMG/AMP sequence variant interpretation guidelines (Richards et al. 2015 PMID: 25741868, with internal and published modifications).

NM_004369.4(COL6A3):c.7645C>A (p.Arg2549=)

Gene: COL6A3 (collagen type VI alpha 3 chain; minus strand). Cytogenetic location: 2q37.3.
Variant type: single nucleotide variant.
Coding change: c.7645C>A on transcript NM_004369.4 (MANE Select); coding-DNA position 7645, C replaced by A.
Protein change: p.Arg2549=; no amino-acid change (arginine 2549 retained).
Molecular consequence: synonymous variant.
Genome position (GRCh38, 1-based): chr2:237,344,373, G>T on the plus strand (C>A on the coding strand, the complement: COL6A3 is on the minus strand). VCF-style: chr2-237344373-G-T. GRCh37 (hg19) VCF-style: chr2-238253016-G-T.
Other names: c.5824C>A, p.Arg1942= (NM_057166.5); c.7027C>A, p.Arg2343= (NM_057167.4).
Identifiers: ClinVar variation 284140 (VCV000284140.15), dbSNP rs151079701, ClinGen allele CA2187758.
Genomic context (GRCh38, chr2:237,344,373, plus strand): 5'-GAAAGGGAGATGCCAACAGCACGCACAGAGCACAGACCTGCAAAGCGTTGATGAGCTGCC[G>T]GTCTTCCTGCCTTGTAAGGAACAAGGGGGTGATCCCCGCATCTGAGAGCTTGAGCACAGC-3'
Protein context (NP_004360.2, residues 2539-2559): TPLFLTRQED[Arg2549=]QLINALQINN